The following is an entry in ClinVar:

NM_001103.4(ACTN2):c.1406+8C>T

Gene: ACTN2 (actinin alpha 2; plus strand). Cytogenetic location: 1q43.
Variant type: single nucleotide variant.
Coding change: c.1406+8C>T on transcript NM_001103.4 (MANE Select); 8 bases into the intron after coding-DNA position 1406, C replaced by T.
Molecular consequence: intron variant.
Genome position (GRCh38, 1-based): chr1:236,744,784, C>T. VCF-style: chr1-236744784-C-T. GRCh37 (hg19) VCF-style: chr1-236908084-C-T.
Other names: c.782+8C>T (NM_001278344.2); c.1406+8C>T (NM_001278343.2).
Identifiers: ClinVar variation 43906 (VCV000043906.50), dbSNP rs397516567, ClinGen allele CA133132.

ClinVar aggregate classification (germline): Benign/Likely benign. Review status: criteria provided, multiple submitters, no conflicts (2 of 4 stars). 8 submissions from 8 submitters: Benign (3); Likely benign (5). Last evaluated 2026-02-03.

Conditions:
Primary familial hypertrophic cardiomyopathy (HCM). Identifiers: Orphanet 99739, MedGen C0949658, MeSH D024741, MONDO:0024573. Inheritance: Various modes of inheritance.
Dilated cardiomyopathy 1AA (CMD1AA). Also called: CARDIOMYOPATHY, DILATED, 1AA, WITH OR WITHOUT LEFT VENTRICULAR NONCOMPACTION; CARDIOMYOPATHY, FAMILIAL HYPERTROPHIC, 23, WITH OR WITHOUT LEFT VENTRICULAR NONCOMPACTION; Cardiomyopathy, dilated, 1AA, with or without LVNC. Identifiers: Orphanet 154, MedGen C2677338, MONDO:0012808, OMIM 612158.

Allele frequency attached by ClinVar (database versions not stated): gnomAD exomes 0.00009; ExAC 0.00014; gnomAD 0.00025 and 0.00026; TOPMed 0.00026.
gnomAD v4.1: 195 of 1,613,936 alleles (0.012%); highest among the groups gnomAD compares: Admixed American, 0.042%; no homozygotes.

Submissions (8):

Labcorp Genetics (formerly Invitae), Labcorp
Classification: Likely benign for Primary familial hypertrophic cardiomyopathy; Dilated cardiomyopathy 1AA. Last evaluated: 2026-02-03. Review status: criteria provided, single submitter. Criteria: Invitae Variant Classification Sherloc (09022015). Collection method: clinical testing. Allele origin: germline.

Molecular Diagnostic Laboratory for Inherited Cardiovascular Disease, Montreal Heart Institute
Classification: Likely benign. Last evaluated: 2025-04-09. Review status: criteria provided, single submitter. Criteria: ACMG Guidelines, 2015. Collection method: clinical testing. Allele origin: germline. Affected: no.

Blueprint Genetics
Classification: Likely benign. Last evaluated: 2024-10-03. Review status: criteria provided, single submitter. Criteria: ACMG Guidelines, 2015. Collection method: clinical testing. Allele origin: germline.

CeGaT Center for Human Genetics Tuebingen
Classification: Likely benign. Last evaluated: 2023-01-01. Review status: criteria provided, single submitter. Criteria: CeGaT Center For Human Genetics Tuebingen Variant Classification Criteria Version 2. Collection method: clinical testing. Allele origin: germline. Affected: yes. Observed: 1 variant allele.
Comment: ACTN2: BP4, BS1

Women's Health and Genetics/Laboratory Corporation of America, LabCorp
Classification: Benign. Last evaluated: 2022-08-20. Review status: criteria provided, single submitter. Criteria: LabCorp Variant Classification Summary - May 2015. Collection method: clinical testing. Allele origin: germline.

ARUP Laboratories, Molecular Genetics and Genomics, ARUP Laboratories
Classification: Benign. Last evaluated: 2021-11-11. Review status: criteria provided, single submitter. Criteria: ARUP Molecular Germline Variant Investigation Process 2021. Collection method: clinical testing. Allele origin: germline.

GeneDx
Classification: Benign. Last evaluated: 2015-04-09. Review status: criteria provided, single submitter. Criteria: GeneDx Variant Classification (06012015). Collection method: clinical testing. Allele origin: germline. Affected: yes.
Comment: This variant is considered likely benign or benign based on one or more of the following criteria: it is a conservative change, it occurs at a poorly conserved position in the protein, it is predicted to be benign by multiple in silico algorithms, and/or has population frequency not consistent with disease.

Laboratory for Molecular Medicine, Mass General Brigham Personalized Medicine
Classification: Likely benign. Last evaluated: 2011-12-29. Review status: criteria provided, single submitter. Criteria: LMM Criteria. Collection method: clinical testing. Allele origin: germline. Observed: 1 variant allele.
Comment: 1406+8C>T in intron 12 of ACTN2: This variant is not expected to have clinical s ignificance because it is not located within the splice consensus sequence. 140 6+8C>T in intron 12 of ACTN2 (allele frequency = n/a)